The following is an entry in ClinVar:

NM_000088.4(COL1A1):c.*240_*244del

Gene: COL1A1 (collagen type I alpha 1 chain; minus strand). Cytogenetic location: 17q21.33.
Variant type: Deletion.
Coding change: c.*240_*244del on transcript NM_000088.4 (MANE Select); 240 bases downstream of the stop codon through 244 bases downstream of the stop codon, 5 bases deleted (AAAAA; older notation c.*240_*244delAAAAA).
Molecular consequence: 3 prime UTR variant.
Genome position (GRCh38, 1-based): chr17:50,185,258-50,185,262, TTTTT deleted on the plus strand (AAAAA on the coding strand, the reverse complement: COL1A1 is on the minus strand); deleting any 5 consecutive bases within chr17:50,185,258-50,185,276 gives the same sequence; the c. name uses the placement nearest the transcript's 3' end. VCF-style (leftmost placement, unchanged base first): chr17-50185257-CTTTTT-C. GRCh37 (hg19) VCF-style: chr17-48262618-CTTTTT-C.
Other names: c.*240_*244del5 (NM_000088.3).
Identifiers: ClinVar variation 3047733 (VCV003047733.2), dbSNP rs56302025, ClinGen allele CA772779671.

ClinVar aggregate classification (germline): Likely benign (0 of 4 stars; one submission).

Conditions:
COL1A1-related disorder. Also called: COL1A1- related disease; COL1A1-related condition.

Submission:

PreventionGenetics, part of Exact Sciences
Classification: Likely benign for COL1A1-related condition. Last evaluated: 2021-04-26. Review status: no assertion criteria provided. Collection method: clinical testing. Allele origin: germline.
Comment: This variant is classified as likely benign based on ACMG/AMP sequence variant interpretation guidelines (Richards et al. 2015 PMID: 25741868, with internal and published modifications).